The following is an entry in ClinVar:

ClinVar aggregate classification (germline): Uncertain significance (1 of 4 stars; one submission).

Conditions:
Early-infantile DEE. Also called: Early infantile epileptic encephalopathy with suppression bursts; Early infantile epileptic encephalopathy; Ohtahara syndrome. Identifiers: Orphanet 1934, MedGen C0393706, MONDO:0800491.

Submission:

Labcorp Genetics (formerly Invitae), Labcorp
Classification: Uncertain significance for Early-infantile DEE. Last evaluated: 2025-09-05. Review status: criteria provided, single submitter. Criteria: Invitae Variant Classification Sherloc (09022015). Collection method: clinical testing. Allele origin: germline.
Comment: This sequence change replaces arginine, which is basic and polar, with lysine, which is basic and polar, at codon 1200 of the SCN1A protein (p.Arg1200Lys). This variant is not present in population databases (gnomAD no frequency). This variant has not been reported in the literature in individuals affected with SCN1A-related conditions. Invitae Evidence Modeling of protein sequence and biophysical properties (such as structural, functional, and spatial information, amino acid conservation, physicochemical variation, residue mobility, and thermodynamic stability) indicates that this missense variant is not expected to disrupt SCN1A protein function with a negative predictive value of 95%. In summary, the available evidence is currently insufficient to determine the role of this variant in disease. Therefore, it has been classified as a Variant of Uncertain Significance.

NM_001165963.4(SCN1A):c.3599G>A (p.Arg1200Lys)

Genes: SCN1A (sodium voltage-gated channel alpha subunit 1; minus strand), LOC102724058 (uncharacterized LOC102724058; plus strand). Cytogenetic location: 2q24.3.
Variant type: single nucleotide variant.
Coding change: c.3599G>A on transcript NM_001165963.4 (MANE Select); coding-DNA position 3599, G replaced by A.
Protein change: p.Arg1200Lys; replaces arginine 1200 with lysine.
Molecular consequence: missense variant. On other transcripts: non-coding transcript variant (1).
Genome position (GRCh38, 1-based): chr2:166,013,850, C>T on the plus strand (G>A on the coding strand, the complement: SCN1A is on the minus strand). VCF-style: chr2-166013850-C-T. GRCh37 (hg19) VCF-style: chr2-166870360-C-T.
Other names: c.3515G>A, p.Arg1172Lys (NM_001165964.3, NM_001353957.2, NM_001353958.2); c.3599G>A, p.Arg1200Lys (NM_001202435.3, NM_001353948.2); c.3566G>A, p.Arg1189Lys (NM_001353949.2, NM_001353950.2, NM_001353951.2 and 2 more transcripts); c.3563G>A, p.Arg1188Lys (NM_001353954.2, NM_001353955.2); c.3512G>A, p.Arg1171Lys (NM_001353960.2); c.1157G>A, p.Arg386Lys (NM_001353961.2); short protein forms R1200K, R1172K, R386K, R1171K, R1188K, R1189K.
Identifiers: ClinVar variation 4698748 (VCV004698748.1).